The following is an entry in ClinVar:

ClinVar aggregate classification (germline): Uncertain significance (1 of 4 stars; one submission).

Conditions:
Hereditary cancer-predisposing syndrome. Also called: Hereditary neoplastic syndrome; Neoplastic Syndromes, Hereditary; Tumor predisposition; Hereditary Cancer Syndrome. Identifiers: Orphanet 140162, MedGen C0027672, MeSH D009386, MONDO:0015356.

Submission:

Ambry Genetics
Classification: Uncertain significance for Hereditary cancer-predisposing syndrome. Last evaluated: 2025-08-27. Review status: criteria provided, single submitter. Criteria: Ambry Variant Classification Scheme 2023. Collection method: clinical testing. Allele origin: germline.
Comment: The p.K17T variant (also known as c.50A>C), located in coding exon 2 of the MUTYH gene, results from an A to C substitution at nucleotide position 50. The lysine at codon 17 is replaced by threonine, an amino acid with similar properties. This amino acid position is conserved. In addition, the in silico prediction for this alteration is inconclusive. Based on the available evidence, the clinical significance of this variant remains unclear.

NM_001048174.2(MUTYH):c.8A>C (p.Lys3Thr)

Gene: MUTYH (mutY DNA glycosylase; minus strand). Cytogenetic location: 1p34.1.
Variant type: single nucleotide variant.
Coding change: c.8A>C on transcript NM_001048174.2 (MANE Select); coding-DNA position 8, A replaced by C.
Protein change: p.Lys3Thr; replaces lysine 3 with threonine.
Molecular consequence: missense variant. On other transcripts: 5 prime UTR variant (7), non-coding transcript variant (7).
Genome position (GRCh38, 1-based): chr1:45,334,498, T>G on the plus strand (A>C on the coding strand, the complement: MUTYH is on the minus strand). VCF-style: chr1-45334498-T-G. GRCh37 (hg19) VCF-style: chr1-45800170-T-G.
Other names: c.8A>C, p.Lys3Thr (NM_001048171.2, NM_001048172.2, NM_001048173.2 and 15 more transcripts); c.50A>C, p.Lys17Thr (NM_001128425.2, NM_001293190.2, NM_001407069.1 and 2 more transcripts); c.-205A>C (NM_001293192.2, NM_001293196.2, NM_001407091.1); c.-264A>C (NM_001350650.2); c.-200A>C (NM_001350651.2, NM_001407082.1); c.-149A>C (NM_001407075.1); c.26A>C, p.Lys9Thr (NM_001407087.1); short protein forms K9T, K17T, K3T.
Identifiers: ClinVar variation 4113705 (VCV004113705.1).